The following is an entry in ClinVar:

ClinVar aggregate classification (germline): Likely benign. Review status: criteria provided, multiple submitters, no conflicts (2 of 4 stars). 4 submissions from 4 submitters: Likely benign (3). 1 of the submissions does not count toward it. Last evaluated 2025-11-15.

Conditions:
FTCD-related disorder. Also called: FTCD-related condition.
Glutamate formiminotransferase deficiency. Also called: Formiminoglutamic aciduria; Arakawa syndrome 1. Identifiers: Orphanet 51208, MedGen C0268609, MONDO:0009240, OMIM 229100.

Allele frequency attached by ClinVar (database versions not stated): gnomAD exomes 0.00005 and 0.00006; gnomAD 0.00006 and 0.00007; ExAC 0.00008; TOPMed 0.00011.
gnomAD v4.1: 93 of 1,612,584 alleles (0.0058%); highest among the groups gnomAD compares: Middle Eastern, 0.033%; no homozygotes.

Submissions (4):

Labcorp Genetics (formerly Invitae), Labcorp
Classification: Likely benign for Glutamate formiminotransferase deficiency. Last evaluated: 2025-11-15. Review status: criteria provided, single submitter. Criteria: Invitae Variant Classification Sherloc (09022015). Collection method: clinical testing. Allele origin: germline.

CeGaT Center for Human Genetics Tuebingen
Classification: Likely benign. Last evaluated: 2025-07-01. Review status: criteria provided, single submitter. Criteria: CeGaT Center For Human Genetics Tuebingen Variant Classification Criteria Version 2. Collection method: clinical testing. Allele origin: germline. Affected: yes. Observed: 1 variant allele.
Comment: FTCD: BP4, BP7

Breakthrough Genomics
Classification: Likely benign. Review status: criteria provided, single submitter. Criteria: ACMG Guidelines, 2015. Collection method: not provided. Allele origin: germline. Inheritance: Autosomal recessive inheritance. Affected: yes.

PreventionGenetics, part of Exact Sciences
Classification: Likely benign for FTCD-related condition. Last evaluated: 2019-06-13. Review status: no assertion criteria provided. Collection method: clinical testing. Allele origin: germline. Not counted in ClinVar's aggregate classification.
Comment: This variant is classified as likely benign based on ACMG/AMP sequence variant interpretation guidelines (Richards et al. 2015 PMID: 25741868, with internal and published modifications).

NM_206965.2(FTCD):c.117C>T (p.Asp39=)

Gene: FTCD (formimidoyltransferase cyclodeaminase; minus strand). Cytogenetic location: 21q22.3.
Variant type: single nucleotide variant.
Coding change: c.117C>T on transcript NM_206965.2 (MANE Select); coding-DNA position 117, C replaced by T.
Protein change: p.Asp39=; no amino-acid change (aspartic acid 39 retained).
Molecular consequence: synonymous variant.
Genome position (GRCh38, 1-based): chr21:46,154,270, G>A on the plus strand (C>T on the coding strand, the complement: FTCD is on the minus strand). VCF-style: chr21-46154270-G-A. GRCh37 (hg19) VCF-style: chr21-47574184-G-A.
Other names: c.117C>T (NM_001320412.1); c.117C>T, p.Asp39= (NM_001320412.2, NM_006657.3).
Identifiers: ClinVar variation 1587792 (VCV001587792.20), dbSNP rs751420192, ClinGen allele CA10074060.